The following is an entry in ClinVar:

NM_001184.4(ATR):c.3191T>C (p.Leu1064Pro)

Gene: ATR (ATR serine/threonine kinase; minus strand). Cytogenetic location: 3q23.
Variant type: single nucleotide variant.
Coding change: c.3191T>C on transcript NM_001184.4 (MANE Select); coding-DNA position 3191, T replaced by C.
Protein change: p.Leu1064Pro; replaces leucine 1064 with proline.
Molecular consequence: missense variant.
Genome position (GRCh38, 1-based): chr3:142,547,891, A>G on the plus strand (T>C on the coding strand, the complement: ATR is on the minus strand). VCF-style: chr3-142547891-A-G. GRCh37 (hg19) VCF-style: chr3-142266733-A-G.
Other names: c.2999T>C, p.Leu1000Pro (NM_001354579.2); short protein forms L1000P, L1064P.
Identifiers: ClinVar variation 3331461 (VCV003331461.1).
Genomic context (GRCh38, chr3:142,547,891, plus strand): 5'-CCAATACGCAGCAATAATTCATTATGCAATCCTTGGAAATCTTGTCTCAACAGGCTCCCC[A>G]GTTCAATTTCTGTTTCATTCTAACCCAAAGACATGTTAAAAAAAATTTTTTTCTTCATAC-3'
Protein context (NP_001175.2, residues 1054-1074): HYLKNETEIE[Leu1064Pro]GSLLRQDFQG

ClinVar aggregate classification (germline): Uncertain significance (1 of 4 stars; one submission).

Conditions:
Inborn genetic diseases. Identifiers: MedGen C0950123, MeSH D030342.

Submission:

Ambry Genetics
Classification: Uncertain significance for Inborn genetic diseases. Last evaluated: 2024-04-04. Review status: criteria provided, single submitter. Criteria: Ambry Variant Classification Scheme 2023. Collection method: clinical testing. Allele origin: germline.
Comment: The p.L1064P variant (also known as c.3191T>C), located in coding exon 16 of the ATR gene, results from a T to C substitution at nucleotide position 3191. The leucine at codon 1064 is replaced by proline, an amino acid with similar properties. This amino acid position is conserved. In addition, this alteration is predicted to be deleterious by in silico analysis. Based on the available evidence, the clinical significance of this variant remains unclear.